The following is an entry in ClinVar:

NM_000128.4(F11):c.1086del (p.Arg363fs)

Gene: F11 (coagulation factor XI; plus strand). Cytogenetic location: 4q35.2.
Variant type: Deletion.
Coding change: c.1086del on transcript NM_000128.4 (MANE Select); coding-DNA position 1086, one base deleted (G; older notation c.1086delG).
Protein change: p.Arg363fs; shifts the reading frame from arginine 363.
Molecular consequence: frameshift variant.
Genome position (GRCh38, 1-based): chr4:186,280,531, G deleted; the last of 3 consecutive G bases (chr4:186,280,529-186,280,531); deleting any one gives the same sequence. VCF-style (leftmost placement, unchanged base first): chr4-186280528-CG-C. GRCh37 (hg19) VCF-style: chr4-187201682-CG-C.
Other names: c.1038del, p.Arg347fs (NM_001440590.1, NM_001440596.1); c.1086del, p.Arg363fs (NM_001440593.1); c.816del, p.Arg273fs (NM_001440605.1, NM_001440607.1); c.768del, p.Arg257fs (NM_001440606.1, NM_001440608.1); short protein forms R257fs, R273fs, R347fs, R363fs.
Identifiers: ClinVar variation 5015237 (VCV005015237.1).

ClinVar aggregate classification (germline): Pathogenic (1 of 4 stars; one submission).

Conditions:
Hereditary factor XI deficiency disease. Also called: PLASMA THROMBOPLASTIN ANTECEDENT DEFICIENCY; PTA DEFICIENCY; ROSENTHAL SYNDROME; Congenital factor XI deficiency. Identifiers: Orphanet 329, MedGen C0015523, MeSH D005173, MONDO:0012897, OMIM 612416.

Submission:

Myriad Genetics, Inc.
Classification: Pathogenic for Hereditary factor XI deficiency disease. Last evaluated: 2025-11-19. Review status: criteria provided, single submitter. Criteria: Myriad Autosomal Dominant, Autosomal Recessive and X-Linked Classification Criteria (2023). Collection method: clinical testing. Allele origin: unknown.
Comment: NM_000128.3(F11):c.1086delG(R363Efs*9) is expected to be pathogenic in the context of factor XI deficiency. This variant is predicted to lead to an abnormal or absent protein product due to the creation of a premature termination codon in F11, a gene where loss-of-function variants are known to be pathogenic. Please note: this variant was assessed in the context of healthy population screening.